The following continues an entry in ClinVar:

NM_019616.4(F7):c.995C>T (p.Ala332Val)

Gene: F7. ClinVar aggregate classification (germline): Pathogenic/Likely pathogenic. Pathogenic (11); Likely pathogenic (9).

Submissions 16 to 21 of 21:

Centre for Mendelian Genomics, University Medical Centre Ljubljana
Classification: Likely pathogenic for Congenital factor VII deficiency. Last evaluated: 2019-09-11. Review status: criteria provided, single submitter. Criteria: ACMG Guidelines, 2015. Collection method: clinical testing. Allele origin: unknown. Affected: yes.
Comment: This variant was classified as: Likely pathogenic. The following ACMG criteria were applied in classifying this variant: PM1,PM2,PP3,PP5.

NIHR Bioresource Rare Diseases, University of Cambridge
Classification: Pathogenic for Congenital factor VII deficiency. Last evaluated: 2019-02-01. Review status: criteria provided, single submitter. Criteria: ACMG Guidelines, 2015. Collection method: research. Allele origin: unknown. Affected: yes. Observed: 1 compound heterozygote. Study: ThromboGenomics.

NIHR Bioresource Rare Diseases, University of Cambridge
Classification: Likely pathogenic for Abnormal bleeding. Last evaluated: 2019-02-01. Review status: criteria provided, single submitter. Criteria: ACMG Guidelines, 2015. Collection method: research. Allele origin: unknown. Affected: yes. Observed: 1 heterozygote. Study: ThromboGenomics.

Illumina Laboratory Services, Illumina
Classification: Pathogenic for Congenital factor VII deficiency. Last evaluated: 2018-08-15. Review status: criteria provided, single submitter. Criteria: ICSL Variant Classification Criteria 09 May 2019. Collection method: clinical testing. Allele origin: germline.
Comment: The F7 c.1061C>T (p.Ala354Val) missense variant, previously known as p.Ala294Val, has been reported in more than seven studies in which it is found in a total of more than 97 alleles in individuals with factor VII deficiency, including 10 homozygotes and four compound heterozygotes (Bernardi et al. 1994; Wulff et al. 2000; Fromovich-Amit et al. 2004; Mariani et al. 2005; Marty et al. 2008; Branchini et al. 2012; Pavlova et al. 2015). Of note, this variant is also described in cis with a second variant, c.11128delC, in an additional 111 alleles in affected individuals, including 26 individuals homozygous for both variants. The p.Ala354Val variant was absent from 20 controls, but is reported at a frequency of 0.00128 in the European (non-Finnish) population of the Exome Aggregation Consortium. Functional analysis of FVII activity in the plasma of a homozygous individual carrying this variant and the second variant, c.11128delC, showed drastically reduced activity. In vivo studies of the p.Ala354Val variant identified decreased activation of FX by variant FVII protein; however, functional studies showed discordant results when evaluating alterations in the variant protein's interaction with activators and cofactors (Toso et al. 2002; Fromovich-Amit et al. 2004; Branchini et al. 2012). Based on the evidence, the p.Ala354Val variant is classified as pathogenic for factor VII deficiency. This variant was observed by ICSL as part of a predisposition screen in an ostensibly healthy population.

ISTH-SSC Genomics in Thrombosis and Hemostasis, KU Leuven, Center for Molecular and Vascular Biology
Classification: Likely pathogenic for Congenital factor VII deficiency. Review status: criteria provided, single submitter. Criteria: ACMG Guidelines, 2015. Collection method: clinical testing. Allele origin: germline. Affected: yes. Observed: 1 heterozygote.
Comment: Submitted to the GoldVariant database by Kathleen Freson, Center for Molecular and Vascular Biology

OMIM
Classification: Pathogenic for FACTOR VII DEFICIENCY. Last evaluated: 2000-01-01. Review status: no assertion criteria provided. Collection method: literature only. Allele origin: germline. Not counted in ClinVar's aggregate classification.

Literature cited by the submitters: PubMed 7919338 (cited by Labcorp Genetics (formerly Invitae), Labcorp and Mayo Clinic Laboratories, Mayo Clinic); PubMed 7981691 (cited by 4 submitters); PubMed 10862079 (cited by 4 submitters); PubMed 15735798 (cited by 3 submitters); PubMed 11931672 (cited by Mayo Clinic Laboratories, Mayo Clinic and Illumina Laboratory Services, Illumina); PubMed 14521598 (cited by Mayo Clinic Laboratories, Mayo Clinic); PubMed 15456489 (cited by Mayo Clinic Laboratories, Mayo Clinic and Illumina Laboratory Services, Illumina); PubMed 15741795 (cited by Mayo Clinic Laboratories, Mayo Clinic); PubMed 18282149 (cited by Mayo Clinic Laboratories, Mayo Clinic and Illumina Laboratory Services, Illumina); PubMed 18976247 (cited by Mayo Clinic Laboratories, Mayo Clinic and Victorian Clinical Genetics Services, Murdoch Childrens Research Institute); PubMed 29618153 (cited by Mayo Clinic Laboratories, Mayo Clinic); PubMed 33477601 (cited by Mayo Clinic Laboratories, Mayo Clinic); PubMed 37761907 (cited by Mayo Clinic Laboratories, Mayo Clinic); PubMed 38202056 (cited by Mayo Clinic Laboratories, Mayo Clinic); PubMed 38397060 (cited by Mayo Clinic Laboratories, Mayo Clinic); PubMed 31064749 (cited by Center for Genomic Medicine, Rigshospitalet, Copenhagen University Hospital and NIHR Bioresource Rare Diseases, University of Cambridge); PubMed 22180436 (cited by Illumina Laboratory Services, Illumina); PubMed 25582404 (cited by Illumina Laboratory Services, Illumina).